The following is an entry in ClinVar:

NM_201384.3(PLEC):c.4869G>A (p.Ala1623=)

Gene: PLEC (plectin; minus strand). Cytogenetic location: 8q24.3.
Variant type: single nucleotide variant.
Coding change: c.4869G>A on transcript NM_201384.3 (MANE Select); coding-DNA position 4869, G replaced by A.
Protein change: p.Ala1623=; no amino-acid change (alanine 1623 retained).
Molecular consequence: synonymous variant.
Genome position (GRCh38, 1-based): chr8:143,925,060, C>T on the plus strand (G>A on the coding strand, the complement: PLEC is on the minus strand). VCF-style: chr8-143925060-C-T. GRCh37 (hg19) VCF-style: chr8-144999228-C-T.
Other names: c.4950G>A, p.Ala1650= (NM_000445.5); c.4827G>A, p.Ala1609= (NM_201378.4); c.4803G>A, p.Ala1601= (NM_201379.3); c.5280G>A, p.Ala1760= (NM_201380.4); c.4773G>A, p.Ala1591= (NM_201381.3); c.4869G>A, p.Ala1623= (NM_201382.4); c.4881G>A, p.Ala1627= (NM_201383.3).
Identifiers: ClinVar variation 539046 (VCV000539046.37), dbSNP rs782246479, ClinGen allele CA4926516.
Genomic context (GRCh38, chr8:143,925,060, plus strand): 5'-CCGTAGCGCCTCGTTGGCCTTGAGCTGCCAGCGCTCCAGCTCCCGCTCTGCCTCCTCGCG[C>T]GCCCGCTCGGCCTCGGCCTGCTGCTGTGCCCGCCGCTCAGCCTCCTCCCGCAGCTGTGCC-3'
Protein context (NP_958786.1, residues 1613-1633): RAQQQAEAER[Ala1623=]REEAERELER

ClinVar aggregate classification (germline): Likely benign. Review status: criteria provided, multiple submitters, no conflicts (2 of 4 stars). 4 submissions from 4 submitters: Likely benign (3). 1 of the submissions does not count toward it. Last evaluated 2024-10-23.

Conditions:
PLEC-related disorder. Also called: PLEC-related disorders; PLEC-related condition.
Epidermolysis bullosa simplex 5B, with muscular dystrophy (EBS5B). Also called: EPIDERMOLYSIS BULLOSA SIMPLEX AND LIMB-GIRDLE MUSCULAR DYSTROPHY; Epidermolysis bullosa simplex with muscular dystrophy. Identifiers: Orphanet 257, MedGen C2931072, MONDO:0009181, OMIM 226670.
Epidermolysis bullosa simplex, Ogna type (EBS5A). Also called: Pidermolysis bullosa simplex 5A, Ogna type; EPIDERMOLYSIS BULLOSA SIMPLEX 5A, OGNA TYPE. Identifiers: Orphanet 79401, MedGen C0432317, MONDO:0007555, OMIM 131950.
Epidermolysis bullosa simplex 5C, with pyloric atresia (EBS5C). Also called: PLEC1-Related Epidermolysis Bullosa with Pyloric Atresia; PLEC-Related Epidermolysis Bullosa with Pyloric Atresia; Epidermolysis bullosa simplex with pyloric atresia. Identifiers: Orphanet 158684, MedGen C2677349, MONDO:0012807, OMIM 612138.
Epidermolysis bullosa simplex with nail dystrophy (EBS5D). Identifiers: MedGen C4225309, MONDO:0014661, OMIM 616487.
Autosomal recessive limb-girdle muscular dystrophy type 2Q (LGMDR17). Also called: MUSCULAR DYSTROPHY, LIMB-GIRDLE, AUTOSOMAL RECESSIVE 17. Identifiers: Orphanet 254361, MedGen C3150989, MONDO:0013390, OMIM 613723.

Allele frequency attached by ClinVar (database versions not stated): gnomAD 0.00003; TOPMed 0.00003; gnomAD exomes 0.00007 and 0.00011; ExAC 0.00024.
gnomAD v4.1: 102 of 1,542,946 alleles (0.0066%); highest among the groups gnomAD compares: East Asian, 0.012%; no homozygotes.

Submissions (4):

Labcorp Genetics (formerly Invitae), Labcorp
Classification: Likely benign for Autosomal recessive limb-girdle muscular dystrophy type 2Q; Epidermolysis bullosa simplex, Ogna type; Epidermolysis bullosa simplex with nail dystrophy; Epidermolysis bullosa simplex 5C, with pyloric atresia; Epidermolysis bullosa simplex 5B, with muscular dystrophy. Last evaluated: 2024-10-23. Review status: criteria provided, single submitter. Criteria: Invitae Variant Classification Sherloc (09022015). Collection method: clinical testing. Allele origin: germline.

CeGaT Center for Human Genetics Tuebingen
Classification: Likely benign. Last evaluated: 2022-06-01. Review status: criteria provided, single submitter. Criteria: CeGaT Center For Human Genetics Tuebingen Variant Classification Criteria Version 2. Collection method: clinical testing. Allele origin: germline. Affected: yes. Observed: 1 variant allele.
Comment: PLEC: BP4, BP7

Blueprint Genetics
Classification: Likely benign. Last evaluated: 2021-02-01. Review status: criteria provided, single submitter. Criteria: ACMG Guidelines, 2015. Collection method: clinical testing. Allele origin: germline.

PreventionGenetics, part of Exact Sciences
Classification: Likely benign for PLEC-related condition. Last evaluated: 2019-03-29. Review status: no assertion criteria provided. Collection method: clinical testing. Allele origin: germline. Not counted in ClinVar's aggregate classification.
Comment: This variant is classified as likely benign based on ACMG/AMP sequence variant interpretation guidelines (Richards et al. 2015 PMID: 25741868, with internal and published modifications).